The following is an entry in ClinVar:

ClinVar aggregate classification (germline): Likely benign (1 of 4 stars; one submission).

gnomAD v4.1: 2 of 1,212,338 alleles (0.00016%); highest among the groups gnomAD compares: Non-Finnish European, 0.00022%; no homozygotes.

Submission:

CeGaT Center for Human Genetics Tuebingen
Classification: Likely benign. Last evaluated: 2024-09-01. Review status: criteria provided, single submitter. Criteria: CeGaT Center For Human Genetics Tuebingen Variant Classification Criteria Version 2. Collection method: clinical testing. Allele origin: germline. Affected: yes. Observed: 1 variant allele.
Comment: BGN: BP4, BP7

NM_001711.6(BGN):c.1023C>A (p.Pro341=)

Gene: BGN (biglycan; plus strand). Cytogenetic location: Xq28.
Variant type: single nucleotide variant.
Coding change: c.1023C>A on transcript NM_001711.6 (MANE Select); coding-DNA position 1023, C replaced by A.
Protein change: p.Pro341=; no amino-acid change (proline 341 retained).
Molecular consequence: synonymous variant.
Genome position (GRCh38, 1-based): chrX:153,508,361, C>A. VCF-style: chrX-153508361-C-A. GRCh37 (hg19) VCF-style: chrX-152773819-C-A.
Identifiers: ClinVar variation 3388648 (VCV003388648.14).